The following is an entry in ClinVar:

NM_006767.4(LZTR1):c.2316C>G (p.Asn772Lys)

Gene: LZTR1 (leucine zipper like post translational regulator 1; plus strand). Cytogenetic location: 22q11.21.
Variant type: single nucleotide variant.
Coding change: c.2316C>G on transcript NM_006767.4 (MANE Select); coding-DNA position 2316, C replaced by G.
Protein change: p.Asn772Lys; replaces asparagine 772 with lysine.
Molecular consequence: missense variant.
Genome position (GRCh38, 1-based): chr22:20,996,792, C>G. VCF-style: chr22-20996792-C-G. GRCh37 (hg19) VCF-style: chr22-21351081-C-G.
Other names: short protein forms N772K.
Identifiers: ClinVar variation 1479794 (VCV001479794.12), dbSNP rs140327903, ClinGen allele CA410780932.

ClinVar aggregate classification (germline): Uncertain significance. Review status: criteria provided, multiple submitters, no conflicts (2 of 4 stars). 5 submissions from 5 submitters: Uncertain significance (5). Last evaluated 2025-12-19.

Conditions:
Hereditary cancer-predisposing syndrome. Also called: Tumor predisposition; Hereditary neoplastic syndrome; Hereditary Cancer Syndrome; Neoplastic Syndromes, Hereditary. Identifiers: Orphanet 140162, MedGen C0027672, MeSH D009386, MONDO:0015356.
Cardiovascular phenotype. Identifiers: MedGen CN230736.
LZTR1-related schwannomatosis. Also called: Schwannomatosis-2, susceptibility to; Schwannomatosis 2. Identifiers: Orphanet 93921, MedGen C3810283, MONDO:0014299, OMIM 615670.

Submissions (5):

Labcorp Genetics (formerly Invitae), Labcorp
Classification: Uncertain significance. Last evaluated: 2025-12-19. Review status: criteria provided, single submitter. Criteria: Invitae Variant Classification Sherloc (09022015). Collection method: clinical testing. Allele origin: germline.
Comment: This sequence change replaces asparagine, which is neutral and polar, with lysine, which is basic and polar, at codon 772 of the LZTR1 protein (p.Asn772Lys). This variant is not present in population databases (gnomAD no frequency). This variant has not been reported in the literature in individuals affected with LZTR1-related conditions. ClinVar contains an entry for this variant (Variation ID: 1479794). Invitae Evidence Modeling of protein sequence and biophysical properties (such as structural, functional, and spatial information, amino acid conservation, physicochemical variation, residue mobility, and thermodynamic stability) indicates that this missense variant is not expected to disrupt LZTR1 protein function with a negative predictive value of 80%. Algorithms developed to predict the effect of sequence changes on RNA splicing suggest that this variant may create or strengthen a splice site. In summary, the available evidence is currently insufficient to determine the role of this variant in disease. Therefore, it has been classified as a Variant of Uncertain Significance.

Women's Health and Genetics/Laboratory Corporation of America, LabCorp
Classification: Uncertain significance. Last evaluated: 2025-07-16. Review status: criteria provided, single submitter. Criteria: LabCorp Variant Classification Summary - May 2015. Collection method: clinical testing. Allele origin: germline.
Comment: Variant summary: LZTR1 c.2316C>G (p.Asn772Lys) results in a non-conservative amino acid change in the encoded protein sequence. Algorithms developed to predict the effect of missense changes on protein structure and function are either unavailable or do not agree on the potential impact of this missense change. The variant was absent in 251094 control chromosomes. The available data on variant occurrences in the general population are insufficient to allow any conclusion about variant significance. To our knowledge, no occurrence of c.2316C>G in individuals affected with Noonan Syndrome 2 and no experimental evidence demonstrating its impact on protein function have been reported. ClinVar contains an entry for this variant (Variation ID: 1479794). Based on the evidence outlined above, the variant was classified as uncertain significance.

Ambry Genetics
Classification: Uncertain significance for Cardiovascular phenotype; Hereditary cancer-predisposing syndrome. Last evaluated: 2025-03-21. Review status: criteria provided, single submitter. Criteria: Ambry Variant Classification Scheme 2023. Collection method: clinical testing. Allele origin: germline.
Comment: The p.N772K variant (also known as c.2316C>G), located in coding exon 19 of the LZTR1 gene, results from a C to G substitution at nucleotide position 2316. The asparagine at codon 772 is replaced by lysine, an amino acid with similar properties. This amino acid position is highly conserved in available vertebrate species. In addition, this alteration is predicted to be tolerated by in silico analysis. Based on the available evidence, the clinical significance of this variant remains unclear.

Blueprint Genetics
Classification: Uncertain significance. Last evaluated: 2024-07-05. Review status: criteria provided, single submitter. Criteria: ACMG Guidelines, 2015. Collection method: clinical testing. Allele origin: germline.

Baylor Genetics
Classification: Uncertain significance for LZTR1-related schwannomatosis. Last evaluated: 2023-09-11. Review status: criteria provided, single submitter. Criteria: ACMG Guidelines, 2015. Collection method: clinical testing. Allele origin: unknown.